The following is an entry in ClinVar:

NM_004385.5(VCAN):c.5812T>C (p.Phe1938Leu)

Genes: VCAN (versican; plus strand), VCAN-AS1 (VCAN antisense RNA 1; minus strand). Cytogenetic location: 5q14.3.
Variant type: single nucleotide variant.
Coding change: c.5812T>C on transcript NM_004385.5 (MANE Select); coding-DNA position 5812, T replaced by C.
Protein change: p.Phe1938Leu; replaces phenylalanine 1938 with leucine.
Molecular consequence: missense variant. On other transcripts: intron variant (2).
Genome position (GRCh38, 1-based): chr5:83,538,815, T>C. VCF-style: chr5-83538815-T-C. GRCh37 (hg19) VCF-style: chr5-82834634-T-C.
Other names: c.2851T>C, p.Phe951Leu (NM_001164097.2); c.4004-6722T>C (NM_001164098.2); c.1043-6722T>C (NM_001126336.3); short protein forms F951L, F1938L.
Identifiers: ClinVar variation 1377208 (VCV001377208.6), dbSNP rs2112443303, ClinGen allele CA360311207.

ClinVar aggregate classification (germline): Uncertain significance (1 of 4 stars; one submission).

Submission:

Labcorp Genetics (formerly Invitae), Labcorp
Classification: Uncertain significance. Last evaluated: 2022-11-15. Review status: criteria provided, single submitter. Criteria: Invitae Variant Classification Sherloc (09022015). Collection method: clinical testing. Allele origin: germline.
Comment: This sequence change replaces phenylalanine, which is neutral and non-polar, with leucine, which is neutral and non-polar, at codon 1938 of the VCAN protein (p.Phe1938Leu). In summary, the available evidence is currently insufficient to determine the role of this variant in disease. Therefore, it has been classified as a Variant of Uncertain Significance. Algorithms developed to predict the effect of missense changes on protein structure and function output the following: SIFT: "Tolerated"; PolyPhen-2: "Benign"; Align-GVGD: "Class C0". The leucine amino acid residue is found in multiple mammalian species, which suggests that this missense change does not adversely affect protein function. ClinVar contains an entry for this variant (Variation ID: 1377208). This variant has not been reported in the literature in individuals affected with VCAN-related conditions. This variant is not present in population databases (gnomAD no frequency).